The following is an entry in ClinVar:

NM_004036.5(ADCY3):c.945C>T (p.His315=)

Gene: ADCY3 (adenylate cyclase 3; minus strand). Cytogenetic location: 2p23.3.
Variant type: single nucleotide variant.
Coding change: c.945C>T on transcript NM_004036.5 (MANE Select); coding-DNA position 945, C replaced by T.
Protein change: p.His315=; no amino-acid change (histidine 315 retained).
Molecular consequence: synonymous variant.
Genome position (GRCh38, 1-based): chr2:24,842,265, G>A on the plus strand (C>T on the coding strand, the complement: ADCY3 is on the minus strand). VCF-style: chr2-24842265-G-A. GRCh37 (hg19) VCF-style: chr2-25065134-G-A.
Other names: c.945C>T, p.His315= (NM_001320613.2, NM_001377128.1, NM_001377129.1 and 2 more transcripts); c.222C>T, p.His74= (NM_001377131.1).
Identifiers: ClinVar variation 3036110 (VCV003036110.2), dbSNP rs773963140, ClinGen allele CA1554358.

ClinVar aggregate classification (germline): Likely benign (0 of 4 stars; one submission).

Conditions:
ADCY3-related disorder. Also called: ADCY3-related condition.

Allele frequency attached by ClinVar (database versions not stated): gnomAD 0.00004; gnomAD exomes 0.00005; ExAC 0.00008; TOPMed 0.00008.
gnomAD v4.1: 76 of 1,613,994 alleles (0.0047%); highest among the groups gnomAD compares: East Asian, 0.02%; no homozygotes.

Submission:

PreventionGenetics, part of Exact Sciences
Classification: Likely benign for ADCY3-related condition. Last evaluated: 2021-04-06. Review status: no assertion criteria provided. Collection method: clinical testing. Allele origin: germline.
Comment: This variant is classified as likely benign based on ACMG/AMP sequence variant interpretation guidelines (Richards et al. 2015 PMID: 25741868, with internal and published modifications).